The following is an entry in ClinVar:

ClinVar aggregate classification (germline): Likely pathogenic (0 of 4 stars; one submission).

Conditions:
Luscan-Lumish syndrome. Identifiers: Orphanet 597738, MedGen C4085873, MONDO:0014791, OMIM 616831.

Submission:

Solve-RD Consortium
Classification: Likely pathogenic for Luscan-Lumish syndrome. Last evaluated: 2022-06-01. Review status: no assertion criteria provided. Collection method: provider interpretation. Allele origin: inherited. Affected: yes.
Comment: Variant confirmed as disease-causing by referring clinical team

Variant identified during reanalysis of unsolved cases by the Solve-RD project. The Solve-RD project has received funding from the European Union’s Horizon 2020 research and innovation programme under grant agreement No 779257.

Literature cited by the submitters: PubMed 39825153.

NM_014159.7(SETD2):c.4405dup (p.Met1469fs)

Gene: SETD2 (SET domain containing 2, histone lysine methyltransferase; minus strand). Cytogenetic location: 3p21.31.
Variant type: Duplication.
Coding change: c.4405dup on transcript NM_014159.7 (MANE Select); coding-DNA position 4405, one base duplicated (A; older notation c.4405dupA).
Protein change: p.Met1469fs; shifts the reading frame from methionine 1469.
Molecular consequence: frameshift variant. On other transcripts: non-coding transcript variant (1).
Genome position (GRCh38, 1-based): chr3:47,120,231, T duplicated on the plus strand (A on the coding strand, the reverse complement: SETD2 is on the minus strand); the first of 4 consecutive T bases (chr3:47,120,231-47,120,234); duplicating any one gives the same sequence. VCF-style (leftmost placement, unchanged base first): chr3-47120230-A-AT. GRCh37 (hg19) VCF-style: chr3-47161720-A-AT.
Other names: c.4273dup, p.Met1425fs (NM_001349370.3); short protein forms M1425fs, M1469fs.
Identifiers: ClinVar variation 3338073 (VCV003338073.1).